The following is an entry in ClinVar:

NM_000321.3(RB1):c.2569C>G (p.Arg857Gly)

Gene: RB1 (RB transcriptional corepressor 1; plus strand). Cytogenetic location: 13q14.2.
Variant type: single nucleotide variant.
Coding change: c.2569C>G on transcript NM_000321.3 (MANE Select); coding-DNA position 2569, C replaced by G.
Protein change: p.Arg857Gly; replaces arginine 857 with glycine.
Molecular consequence: missense variant.
Genome position (GRCh38, 1-based): chr13:48,476,749, C>G. VCF-style: chr13-48476749-C-G. GRCh37 (hg19) VCF-style: chr13-49050885-C-G.
Other names: short protein forms R857G.
Identifiers: ClinVar variation 1036705 (VCV001036705.11), dbSNP rs1032510984, ClinGen allele CA388157283.
Genomic context (GRCh38, chr13:48,476,749, plus strand): 5'-TGTAATTTGTAGACTTCTGAGAAGTTCCAGAAAATAAATCAGATGGTATGTAACAGCGAC[C>G]GTGTGCTCAAAAGAAGTGCTGAAGGAAGCAACCCTCCTAAACCACTGAAAAAACTACGCT-3'
Protein context (NP_000312.2, residues 847-867): KINQMVCNSD[Arg857Gly]VLKRSAEGSN

ClinVar aggregate classification (germline): Conflicting classifications of pathogenicity. Review status: criteria provided, conflicting classifications (1 of 4 stars). 2 submissions from 2 submitters: Uncertain significance (1); Likely benign (1). Last evaluated 2025-04-23.

Conditions:
Hereditary cancer-predisposing syndrome. Also called: Neoplastic Syndromes, Hereditary; Hereditary Cancer Syndrome; Tumor predisposition; Hereditary neoplastic syndrome. Identifiers: Orphanet 140162, MedGen C0027672, MeSH D009386, MONDO:0015356.
Retinoblastoma (RB1). Also called: RETINOBLASTOMA, SOMATIC. Identifiers: Orphanet 790, MedGen C0035335, MeSH D012175, MONDO:0008380, OMIM 180200, HP:0009919. Disease mechanism: loss of function. Inheritance: Both sporadic and heritable forms are tested..

Allele frequency attached by ClinVar (database versions not stated): gnomAD exomes 0.00001.
gnomAD v4.1: 2 of 1,613,374 alleles (0.00012%); highest among the groups gnomAD compares: Admixed American, 0.0033%; no homozygotes.

Submissions (2):

Labcorp Genetics (formerly Invitae), Labcorp
Classification: Uncertain significance for Retinoblastoma. Last evaluated: 2025-04-23. Review status: criteria provided, single submitter. Criteria: Invitae Variant Classification Sherloc (09022015). Collection method: clinical testing. Allele origin: germline.
Comment: This sequence change replaces arginine, which is basic and polar, with glycine, which is neutral and non-polar, at codon 857 of the RB1 protein (p.Arg857Gly). This variant is present in population databases (no rsID available, gnomAD 0.006%). This variant has not been reported in the literature in individuals affected with RB1-related conditions. ClinVar contains an entry for this variant (Variation ID: 1036705). Invitae Evidence Modeling of protein sequence and biophysical properties (such as structural, functional, and spatial information, amino acid conservation, physicochemical variation, residue mobility, and thermodynamic stability) has been performed for this missense variant. However, the output from this modeling did not meet the statistical confidence thresholds required to predict the impact of this variant on RB1 protein function. In summary, the available evidence is currently insufficient to determine the role of this variant in disease. Therefore, it has been classified as a Variant of Uncertain Significance.

Ambry Genetics
Classification: Likely benign for Hereditary cancer-predisposing syndrome. Last evaluated: 2022-08-01. Review status: criteria provided, single submitter. Criteria: Ambry Variant Classification Scheme 2023. Collection method: clinical testing. Allele origin: germline.